The following is an entry in ClinVar:

ClinVar aggregate classification (germline): Pathogenic (1 of 4 stars; one submission).

Conditions:
Hereditary cancer-predisposing syndrome. Also called: Neoplastic Syndromes, Hereditary; Tumor predisposition; Hereditary Cancer Syndrome; Hereditary neoplastic syndrome. Identifiers: Orphanet 140162, MedGen C0027672, MeSH D009386, MONDO:0015356.

Submission:

Ambry Genetics
Classification: Pathogenic for Hereditary cancer-predisposing syndrome. Last evaluated: 2026-03-17. Review status: criteria provided, single submitter. Criteria: Ambry Variant Classification Scheme 2023. Collection method: clinical testing. Allele origin: germline.
Comment: The c.8953+1G>C intronic pathogenic mutation results from a G to C substitution one nucleotide after coding exon 21 of the BRCA2 gene. This variant was identified amongst a cohort of 4567 Thai patients with cancer in the hereditary breast-ovarian cancer (HBOC) spectrum who underwent multi-gene panel testing (Kansuttiviwat C et al. NPJ Genom Med, 2024 Feb;9:9). Two saturation genome editing-based studies, including a haploid cell-survival assay and a humanized mouse embryonic stem cell line assay of drug response and survival, demonstrate that this nucleotide substitution is non-functional (Huang H et al. Nature. 2025 Feb;638(8050):528-537; Sahu S et al. Nature. 2025 Feb;638(8050):538-545). This nucleotide position is highly conserved in available vertebrate species. In silico splice site analysis predicts that this alteration will weaken the native splice donor site and will result in the creation or strengthening of a novel splice donor site; however, direct evidence is insufficient (Ambry internal data). Alterations that disrupt the canonical splice site are expected to cause aberrant splicing, resulting in an abnormal protein or a transcript that is subject to nonsense-mediated mRNA decay. Based on the supporting evidence, this variant is interpreted as a disease-causing mutation.

Literature cited by the submitters: PubMed 38355628; PubMed 39779848; PubMed 39779857.

NM_000059.4(BRCA2):c.8953+1G>C

Gene: BRCA2 (BRCA2 DNA repair associated; plus strand). Cytogenetic location: 13q13.1.
Variant type: single nucleotide variant.
Coding change: c.8953+1G>C on transcript NM_000059.4 (MANE Select); the canonical splice donor site of the intron after coding-DNA position 8953, G replaced by C.
Molecular consequence: splice donor variant.
Genome position (GRCh38, 1-based): chr13:32,379,516, G>C. VCF-style: chr13-32379516-G-C. GRCh37 (hg19) VCF-style: chr13-32953653-G-C.
Other names: c.8857+1G>C (NM_001406719.1); c.4021+1G>C (NM_001406721.1); c.2536+1G>C (NM_001406722.1); c.8953+1G>C (NM_001432077.1, NM_001406720.1).
Identifiers: ClinVar variation 4867775 (VCV004867775.1).